The following is an entry in ClinVar:

ClinVar aggregate classification (germline): Uncertain significance (1 of 4 stars; one submission).

Submission:

Labcorp Genetics (formerly Invitae), Labcorp
Classification: Uncertain significance. Last evaluated: 2024-03-04. Review status: criteria provided, single submitter. Criteria: Invitae Variant Classification Sherloc (09022015). Collection method: clinical testing. Allele origin: germline.
Comment: This sequence change replaces aspartic acid, which is acidic and polar, with glycine, which is neutral and non-polar, at codon 841 of the LAMC3 protein (p.Asp841Gly). This variant is not present in population databases (gnomAD no frequency). This variant has not been reported in the literature in individuals affected with LAMC3-related conditions. ClinVar contains an entry for this variant (Variation ID: 1933456). An algorithm developed to predict the effect of missense changes on protein structure and function (PolyPhen-2) suggests that this variant is likely to be tolerated. In summary, the available evidence is currently insufficient to determine the role of this variant in disease. Therefore, it has been classified as a Variant of Uncertain Significance.

NM_006059.4(LAMC3):c.2522A>G (p.Asp841Gly)

Gene: LAMC3 (laminin subunit gamma 3; plus strand). Cytogenetic location: 9q34.12.
Variant type: single nucleotide variant.
Coding change: c.2522A>G on transcript NM_006059.4 (MANE Select); coding-DNA position 2522, A replaced by G.
Protein change: p.Asp841Gly; replaces aspartic acid 841 with glycine.
Molecular consequence: missense variant.
Genome position (GRCh38, 1-based): chr9:131,067,134, A>G. VCF-style: chr9-131067134-A-G. GRCh37 (hg19) VCF-style: chr9-133942521-A-G.
Other names: short protein forms D841G.
Identifiers: ClinVar variation 1933456 (VCV001933456.5), dbSNP rs2538300087, ClinGen allele CA375253369.